The following is an entry in ClinVar:

ClinVar aggregate classification (germline): Uncertain significance (1 of 4 stars; one submission).

Submission:

GeneDx
Classification: Uncertain significance. Last evaluated: 2022-10-17. Review status: criteria provided, single submitter. Criteria: GeneDx Variant Classification Process June 2021. Collection method: clinical testing. Allele origin: germline. Affected: yes.
Comment: Not observed at significant frequency in large population cohorts (gnomAD); In silico analysis supports that this missense variant has a deleterious effect on protein structure/function; Has not been previously published as pathogenic or benign to our knowledge

NM_138927.4(SON):c.1924C>G (p.Pro642Ala)

Gene: SON (SON DNA and RNA binding protein; plus strand). Cytogenetic location: 21q22.11.
Variant type: single nucleotide variant.
Coding change: c.1924C>G on transcript NM_138927.4 (MANE Select); coding-DNA position 1924, C replaced by G.
Protein change: p.Pro642Ala; replaces proline 642 with alanine.
Molecular consequence: missense variant. On other transcripts: non-coding transcript variant (1), intron variant (1).
Genome position (GRCh38, 1-based): chr21:33,551,155, C>G. VCF-style: chr21-33551155-C-G. GRCh37 (hg19) VCF-style: chr21-34923461-C-G.
Other names: c.1924C>G, p.Pro642Ala (NM_001291411.2, NM_001412133.1, NM_032195.3 and 2 more transcripts); c.244+4776C>G (NM_001291412.3); short protein forms P642A.
Identifiers: ClinVar variation 2499348 (VCV002499348.1), dbSNP rs776506718, ClinGen allele CA410156501.